The following is an entry in ClinVar:

NM_001077365.2(POMT1):c.1272+196C>T

Gene: POMT1 (protein O-mannosyltransferase 1; plus strand). Cytogenetic location: 9q34.13.
Variant type: single nucleotide variant.
Coding change: c.1272+196C>T on transcript NM_001077365.2 (MANE Select); 196 bases into the intron after coding-DNA position 1272, C replaced by T.
Molecular consequence: intron variant.
Genome position (GRCh38, 1-based): chr9:131,515,718, C>T. VCF-style: chr9-131515718-C-T. GRCh37 (hg19) VCF-style: chr9-134391105-C-T.
Other names: c.1176+196C>T (NM_001353198.2, NM_001353197.2); c.1338+196C>T (NM_001353193.2, NM_007171.4); c.1272+196C>T (NM_001136113.2, NM_001374690.1); c.1110+196C>T (NM_001353194.2, NM_001077366.2); c.921+196C>T (NM_001374691.1, NM_001353195.2, NM_001374692.1 and 2 more transcripts); c.1182+196C>T (NM_001353196.2); c.882+196C>T (NM_001374695.1); c.1260+196C>T (NM_001374689.1); and 2 more.
Identifiers: ClinVar variation 677630 (VCV000677630.1), dbSNP rs113330289, ClinGen allele CA200790023.

ClinVar aggregate classification (germline): Likely benign (1 of 4 stars; one submission).

Allele frequency attached by ClinVar (database versions not stated): gnomAD 0.00507.
gnomAD v4.1: 662 of 130,174 alleles (0.51%); highest among the groups gnomAD compares: African/African-American, 1.7%; 16 homozygotes.

Submission:

GeneDx
Classification: Likely benign. Last evaluated: 2018-06-16. Review status: criteria provided, single submitter. Criteria: GeneDx Variant Classification (06012015). Collection method: clinical testing. Allele origin: germline. Affected: yes.
Comment: This variant is considered likely benign or benign based on one or more of the following criteria: it is a conservative change, it occurs at a poorly conserved position in the protein, it is predicted to be benign by multiple in silico algorithms, and/or has population frequency not consistent with disease.